The following is an entry in ClinVar:

ClinVar aggregate classification (germline): Uncertain significance (1 of 4 stars; one submission).

Conditions:
Hereditary cancer-predisposing syndrome. Also called: Neoplastic Syndromes, Hereditary; Tumor predisposition; Hereditary Cancer Syndrome; Hereditary neoplastic syndrome. Identifiers: Orphanet 140162, MedGen C0027672, MeSH D009386, MONDO:0015356.

Submission:

Ambry Genetics
Classification: Uncertain significance for Hereditary cancer-predisposing syndrome. Last evaluated: 2025-12-22. Review status: criteria provided, single submitter. Criteria: Ambry Variant Classification Scheme 2023. Collection method: clinical testing. Allele origin: germline.
Comment: The p.D251E variant (also known as c.753C>A), located in coding exon 5 of the RAD51C gene, results from a C to A substitution at nucleotide position 753. The aspartic acid at codon 251 is replaced by glutamic acid, an amino acid with highly similar properties. This amino acid position is conserved. In addition, this alteration is predicted to be tolerated by in silico analysis. Based on the available evidence, the clinical significance of this variant remains unclear.

NM_058216.3(RAD51C):c.753C>A (p.Asp251Glu)

Gene: RAD51C (RAD51 paralog C; plus strand). Cytogenetic location: 17q22.
Variant type: single nucleotide variant.
Coding change: c.753C>A on transcript NM_058216.3 (MANE Select); coding-DNA position 753, C replaced by A.
Protein change: p.Asp251Glu; replaces aspartic acid 251 with glutamic acid.
Molecular consequence: missense variant. On other transcripts: non-coding transcript variant (1).
Genome position (GRCh38, 1-based): chr17:58,709,906, C>A. VCF-style: chr17-58709906-C-A. GRCh37 (hg19) VCF-style: chr17-56787267-C-A.
Other names: short protein forms D251E.
Identifiers: ClinVar variation 4841438 (VCV004841438.1).
Genomic context (GRCh38, chr17:58,709,906, plus strand): 5'-CTTCTGTATTTAGGTTCGACTAGTGATAGTGGATGGTATTGCTTTTCCATTTCGTCATGA[C>A]CTAGATGACCTGTCTCTTCGTACTCGGTTATTAAATGGCCTAGCCCAGCAAATGATCAGC-3'
Protein context (NP_478123.1, residues 241-261): VDGIAFPFRH[Asp251Glu]LDDLSLRTRL